The following is an entry in ClinVar:

ClinVar aggregate classification (germline): Benign. Review status: criteria provided, multiple submitters, no conflicts (2 of 4 stars). 7 submissions from 6 submitters: Benign (7). Last evaluated 2026-02-04.

Conditions:
Epilepsy, familial focal, with variable foci 4 (FFEVF4). Identifiers: MedGen C4693694, MONDO:0054776, OMIM 617935.
Developmental and epileptic encephalopathy, 62. Also called: Early infantile epileptic encephalopathy 62. Identifiers: MedGen C4693699, MONDO:0033371, OMIM 617938.

Allele frequency attached by ClinVar (database versions not stated): gnomAD exomes 0.14277 and 0.20980; ESP Exome Variant Server 0.16860; ExAC 0.20350; gnomAD 0.22426 and 0.22550; TOPMed 0.24249; 1000 Genomes Project 30x 0.31309; 1000 Genomes Project 0.31889.
gnomAD v4.1: 243,064 of 1,602,062 alleles (15%); highest among the groups gnomAD compares: East Asian, 48%; 25,493 homozygotes.

Submissions (7):

Labcorp Genetics (formerly Invitae), Labcorp
Classification: Benign. Last evaluated: 2026-02-04. Review status: criteria provided, single submitter. Criteria: Invitae Variant Classification Sherloc (09022015). Collection method: clinical testing. Allele origin: germline.

Blueprint Genetics
Classification: Benign. Last evaluated: 2024-11-26. Review status: criteria provided, single submitter. Criteria: ACMG Guidelines, 2015. Collection method: clinical testing. Allele origin: germline.

Unidad de Genómica Garrahan, Hospital de Pediatría Garrahan
Classification: Benign. Last evaluated: 2024-07-15. Review status: criteria provided, single submitter. Criteria: ACMG Guidelines, 2015. Collection method: clinical testing. Allele origin: germline. Affected: no. Observed: 28 variant alleles.
Comment: This variant is classified as Benign based on local population frequency. This variant was detected in 30% of patients studied in a panel designed for Epileptic and Developmental Encephalopathy and Progressive Myoclonus Epilepsy. Number of patients: 28. Only high quality variants are reported.

Genome-Nilou Lab
Classification: Benign for Developmental and epileptic encephalopathy, 62. Last evaluated: 2021-07-15. Review status: criteria provided, single submitter. Criteria: ACMG Guidelines, 2015. Collection method: clinical testing. Allele origin: germline. Affected: no.

Genome-Nilou Lab
Classification: Benign for Epilepsy, familial focal, with variable foci 4. Last evaluated: 2021-07-15. Review status: criteria provided, single submitter. Criteria: ACMG Guidelines, 2015. Collection method: clinical testing. Allele origin: germline. Affected: no.

GeneDx
Classification: Benign. Last evaluated: 2021-05-15. Review status: criteria provided, single submitter. Criteria: GeneDx Variant Classification Process June 2021. Collection method: clinical testing. Allele origin: germline. Affected: yes.

Breakthrough Genomics
Classification: Benign. Review status: criteria provided, single submitter. Criteria: ACMG Guidelines, 2015. Collection method: not provided. Allele origin: germline. Inheritance: Autosomal dominant inheritance. Affected: yes.

NM_006922.4(SCN3A):c.968-20G>T

Gene: SCN3A (sodium voltage-gated channel alpha subunit 3; minus strand). Cytogenetic location: 2q24.3.
Variant type: single nucleotide variant.
Coding change: c.968-20G>T on transcript NM_006922.4 (MANE Select); 20 bases into the intron before coding-DNA position 968, G replaced by T.
Molecular consequence: intron variant.
Genome position (GRCh38, 1-based): chr2:165,162,391, C>A on the plus strand (G>T on the coding strand, the complement: SCN3A is on the minus strand). VCF-style: chr2-165162391-C-A. GRCh37 (hg19) VCF-style: chr2-166018901-C-A.
Other names: c.968-20G>T (NM_001081676.2, NM_001081677.2).
Identifiers: ClinVar variation 1169487 (VCV001169487.16), dbSNP rs11887309, ClinGen allele CA1939286.